The following is an entry in ClinVar:

NM_001498.4(GCLC):c.1520G>T (p.Ser507Ile)

Genes: GCLC (glutamate-cysteine ligase catalytic subunit; minus strand), GCLC-AS1 (GCLC antisense RNA 1; plus strand). Cytogenetic location: 6p12.1.
Variant type: single nucleotide variant.
Coding change: c.1520G>T on transcript NM_001498.4 (MANE Select); coding-DNA position 1520, G replaced by T.
Protein change: p.Ser507Ile; replaces serine 507 with isoleucine.
Molecular consequence: missense variant.
Genome position (GRCh38, 1-based): chr6:53,500,308, C>A on the plus strand (G>T on the coding strand, the complement: GCLC is on the minus strand). VCF-style: chr6-53500308-C-A. GRCh37 (hg19) VCF-style: chr6-53365106-C-A.
Other names: p.Ser507Ile; c.1406G>T, p.Ser469Ile (NM_001197115.2); short protein forms S469I, S507I.
Identifiers: ClinVar variation 2896667 (VCV002896667.5), dbSNP rs148531108, ClinGen allele CA3860042.

ClinVar aggregate classification (germline): Uncertain significance. Review status: criteria provided, multiple submitters, no conflicts (2 of 4 stars). 3 submissions from 3 submitters: Uncertain significance (3). Last evaluated 2025-02-10.

Conditions:
Gamma-glutamylcysteine synthetase deficiency (CNSHA7). Also called: ANEMIA, CONGENITAL, NONSPHEROCYTIC HEMOLYTIC, 7. Identifiers: Orphanet 33574, MedGen C1856603, MONDO:0009259, OMIM 230450.

Allele frequency attached by ClinVar (database versions not stated): gnomAD exomes 0.00001; ExAC 0.00002; gnomAD 0.00012; TOPMed 0.00012; ESP Exome Variant Server 0.00023.

Submissions (3):

Mayo Clinic Laboratories, Mayo Clinic
Classification: Uncertain significance. Last evaluated: 2025-02-10. Review status: criteria provided, single submitter. Criteria: ACMG Guidelines, 2015. Collection method: clinical testing. Allele origin: germline. Observed: 1 variant allele.
Comment: BP4_moderate, PM2_supporting

Labcorp Genetics (formerly Invitae), Labcorp
Classification: Uncertain significance. Last evaluated: 2024-12-24. Review status: criteria provided, single submitter. Criteria: Invitae Variant Classification Sherloc (09022015). Collection method: clinical testing. Allele origin: germline.
Comment: This sequence change replaces serine, which is neutral and polar, with isoleucine, which is neutral and non-polar, at codon 507 of the GCLC protein (p.Ser507Ile). This variant is present in population databases (rs148531108, gnomAD 0.03%). This variant has not been reported in the literature in individuals affected with GCLC-related conditions. ClinVar contains an entry for this variant (Variation ID: 2896667). An algorithm developed to predict the effect of missense changes on protein structure and function (PolyPhen-2) suggests that this variant is likely to be tolerated. In summary, the available evidence is currently insufficient to determine the role of this variant in disease. Therefore, it has been classified as a Variant of Uncertain Significance.

Revvity Omics, Revvity
Classification: Uncertain significance for Gamma-glutamylcysteine synthetase deficiency. Last evaluated: 2024-08-13. Review status: criteria provided, single submitter. Criteria: ACMG Guidelines, 2015. Collection method: clinical testing. Allele origin: germline.